The following is an entry in ClinVar:

NM_001330588.2(TPP2):c.203T>C (p.Ile68Thr)

Gene: TPP2 (tripeptidyl peptidase 2; plus strand). Cytogenetic location: 13q33.1.
Variant type: single nucleotide variant.
Coding change: c.203T>C on transcript NM_001330588.2 (MANE Select); coding-DNA position 203, T replaced by C.
Protein change: p.Ile68Thr; replaces isoleucine 68 with threonine.
Molecular consequence: missense variant. On other transcripts: non-coding transcript variant (1).
Genome position (GRCh38, 1-based): chr13:102,604,830, T>C. VCF-style: chr13-102604830-T-C. GRCh37 (hg19) VCF-style: chr13-103257180-T-C.
Other names: c.203T>C, p.Ile68Thr (NM_001367947.1, NM_003291.4); c.203T>C (NM_003291.2); short protein forms I68T.
Identifiers: ClinVar variation 1910916 (VCV001910916.5), dbSNP rs796459178, ClinGen allele CA255457756.

ClinVar aggregate classification (germline): Uncertain significance. Review status: criteria provided, multiple submitters, no conflicts (2 of 4 stars). 2 submissions from 2 submitters: Uncertain significance (2). Last evaluated 2023-03-07.

Conditions:
Evans syndrome, immunodeficiency, and premature immunosenescence associated with tripeptidyl-peptidase II deficiency. Identifiers: MedGen CN231723. Disease mechanism: loss of function.
Inborn genetic diseases. Identifiers: MedGen C0950123, MeSH D030342.

Allele frequency attached by ClinVar (database versions not stated): gnomAD 0.00001; gnomAD exomes 0.00001; TOPMed 0.00004.

Submissions (2):

Ambry Genetics
Classification: Uncertain significance for Inborn genetic diseases. Last evaluated: 2023-03-07. Review status: criteria provided, single submitter. Criteria: Ambry Variant Classification Scheme 2023. Collection method: clinical testing. Allele origin: germline.

Labcorp Genetics (formerly Invitae), Labcorp
Classification: Uncertain significance for Evans syndrome, immunodeficiency, and premature immunosenescence associated with tripeptidyl-peptidase II deficiency. Last evaluated: 2022-04-04. Review status: criteria provided, single submitter. Criteria: Invitae Variant Classification Sherloc (09022015). Collection method: clinical testing. Allele origin: germline.
Comment: In summary, the available evidence is currently insufficient to determine the role of this variant in disease. Therefore, it has been classified as a Variant of Uncertain Significance. Algorithms developed to predict the effect of missense changes on protein structure and function are either unavailable or do not agree on the potential impact of this missense change (SIFT: "Deleterious"; PolyPhen-2: "Probably Damaging"; Align-GVGD: "Class C0"). This variant has not been reported in the literature in individuals affected with TPP2-related conditions. This variant is not present in population databases (gnomAD no frequency). This sequence change replaces isoleucine, which is neutral and non-polar, with threonine, which is neutral and polar, at codon 68 of the TPP2 protein (p.Ile68Thr).